The following is an entry in ClinVar:

ClinVar aggregate classification (germline): Uncertain significance (1 of 4 stars; one submission).

Conditions:
DOCK4-related disorder. Also called: DOCK4-related condition.

Submission:

PreventionGenetics, part of Exact Sciences
Classification: Uncertain significance for DOCK4-related condition. Last evaluated: 2025-05-06. Review status: criteria provided, single submitter. Criteria: ACMG Guidelines, 2015. Collection method: clinical testing. Allele origin: germline.
Comment: The DOCK4 c.441_455delinsAAGCC variant is predicted to result in a frameshift and premature protein termination (p.Ala148Serfs*33). To our knowledge, this variant has not been reported in the literature or in a large population database (gnomAD), indicating this variant is rare. At this time, the clinical significance of this variant is uncertain due to the absence of conclusive functional and genetic evidence.

NM_001363540.2(DOCK4):c.441_455delinsAAGCC (p.Ala148fs)

Gene: DOCK4 (dedicator of cytokinesis 4; minus strand). Cytogenetic location: 7q31.1.
Variant type: Indel.
Coding change: c.441_455delinsAAGCC on transcript NM_001363540.2 (MANE Select); coding-DNA positions 441 to 455, TGCCCGGCTTGACTG replaced by AAGCC.
Protein change: p.Ala148fs; shifts the reading frame from alanine 148.
Molecular consequence: frameshift variant.
Genome position (GRCh38, 1-based): chr7:111,989,024-111,989,038, CAGTCAAGCCGGGCA replaced by GGCTT on the plus strand (TGCCCGGCTTGACTG replaced by AAGCC on the coding strand, the reverse complement: DOCK4 is on the minus strand). VCF-style: chr7-111989024-CAGTCAAGCCGGGCA-GGCTT. GRCh37 (hg19) VCF-style: chr7-111629079-CAGTCAAGCCGGGCA-GGCTT.
Other names: c.441_455delinsAAGCC, p.Ala148fs (NM_014705.4); short protein forms A148fs.
Identifiers: ClinVar variation 5001921 (VCV005001921.1).